The following continues an entry in ClinVar:

NM_001276345.2(TNNT2):c.341C>T (p.Ala114Val)

Gene: TNNT2. ClinVar aggregate classification (germline): Conflicting classifications of pathogenicity. Pathogenic (1); Likely pathogenic (2); Uncertain significance (8).

Submissions 6 to 13 of 13:

Laboratory for Molecular Medicine, Mass General Brigham Personalized Medicine
Classification: Uncertain significance for Hypertrophic cardiomyopathy. Last evaluated: 2022-02-04. Review status: criteria provided, single submitter. Criteria: ACMG Guidelines, 2015. Collection method: clinical testing. Allele origin: germline.
Comment: The p.Ala104Val variant in TNNT2 has been identified in at least 10 individuals with HCM (Nakajima-Taniguchi 1997, Pasquale 2012, Walsh 2017, Marschall 2019, Burns 2017, Invitae pers. comm., LMM data). This variant has been reported in ClinVar (ID 177633) and has been identified in 4/251490 chromosomes by gnomAD. In vitro functional studies provide some evidence that the p.Ala104Val variant impacts protein function (Palm 2001, Hinkle 2003, Harada 2004). However, these types of assays may not accurately represent biological function. Computational prediction tools and conservation analyses do not provide strong support for or against an impact to the protein. In summary, while there is some suspicion for a pathogenic role, the clinical significance of the p.Ala104Val variant is uncertain. ACMG/AMP Criteria applied: PS4_Moderate, PM2_Supporting, PS3_Supporting.

CHEO Genetics Diagnostic Laboratory, Children's Hospital of Eastern Ontario
Classification: Uncertain significance for Cardiomyopathy. Last evaluated: 2018-03-22. Review status: criteria provided, single submitter. Criteria: ACMG Guidelines, 2015. Collection method: clinical testing. Allele origin: germline.

Agnes Ginges Centre for Molecular Cardiology, Centenary Institute
Classification: Uncertain significance for Hypertrophic cardiomyopathy 2. Last evaluated: 2017-04-19. Review status: criteria provided, single submitter. Criteria: ACMG Guidelines, 2015. Collection method: research. Allele origin: germline. Affected: yes.
Comment: TNNT2 Ala104Val has been previously reported in a number of HCM cases, however to-date no familial segregation has been noted (LMM, personal communication; Walsh R et al., 2017; Lopes LR, et al., 2013; Pasquale F, et al., 2012; Nakajima-Taniguchi C, et al., 1997). In vitro functional assays suggest that the variant alters tropomyosin binding (Hinkle A & Tobacman LS, 2002) and calcium sensitivity (Harada K & Potter JD, 2004), however this may not necessarily translate to altered protein function in vivo. The variant is present as a singleton event in Exome Aggregation Consortium dataset (MAF=0.000008). Computational tools SIFT, PolyPhen-HCM and PolyPhen-2 predict this variant to have a deleterious effect, however MutationTaster predicts this variant to be a "polymorphism". In summary, based on reports in several HCM probands, as well as rarity in the general population and some evidence of altered protein function in functional assays, we classify TNNT2 Ala104Val as a variant of "uncertain significance"

Centre for Mendelian Genomics, University Medical Centre Ljubljana
Classification: Uncertain significance for Dilated cardiomyopathy 1D. Last evaluated: 2016-01-01. Review status: criteria provided, single submitter. Criteria: ACMG Guidelines, 2015. Collection method: clinical testing. Allele origin: unknown. Affected: yes.
Comment: This variant was classified as: Uncertain significance. The following ACMG criteria were applied in classifying this variant: PP2,PP3.

Molecular Diagnostic Laboratory for Inherited Cardiovascular Disease, Montreal Heart Institute
Classification: Likely pathogenic for Primary familial hypertrophic cardiomyopathy. Review status: criteria provided, single submitter. Criteria: ACMG Guidelines, 2015. Collection method: clinical testing. Allele origin: germline. Affected: yes.

Stanford Center for Inherited Cardiovascular Disease, Stanford University
Classification: Uncertain significance. Review status: criteria provided, single submitter. Criteria: ACMG Guidelines, 2015. Collection method: provider interpretation. Allele origin: germline.

Clinical Genetics, Academic Medical Center
Classification: Uncertain significance. Review status: no assertion criteria provided. Collection method: clinical testing. Allele origin: germline. Affected: yes. Study: VKGL Data-share Consensus. Not counted in ClinVar's aggregate classification.

Joint Genome Diagnostic Labs from Nijmegen and Maastricht, Radboudumc and MUMC+
Classification: Uncertain significance. Review status: no assertion criteria provided. Collection method: clinical testing. Allele origin: germline. Affected: yes. Study: VKGL Data-share Consensus. Not counted in ClinVar's aggregate classification.

Literature cited by the submitters: PubMed 9140840 (cited by 6 submitters); PubMed 23396983 (cited by 6 submitters); PubMed 27532257 (cited by 6 submitters); PubMed 28790153 (cited by 3 submitters); PubMed 31737537 (cited by 4 submitters); PubMed 33297573 (cited by 4 submitters); PubMed 11606294 (cited by 5 submitters); PubMed 14722098 (cited by 6 submitters); PubMed 33025817 (cited by Labcorp Genetics (formerly Invitae), Labcorp); PubMed 12409295 (cited by 3 submitters); PubMed 22144547 (cited by 3 submitters); PubMed 28193612 (cited by Ambry Genetics); PubMed 28408708 (cited by 3 submitters); PubMed 35020984 (cited by Ambry Genetics); PubMed 30696458 (cited by Color Diagnostics, LLC DBA Color Health); PubMed 37466024 (cited by Color Diagnostics, LLC DBA Color Health); PubMed 37821546 (cited by Color Diagnostics, LLC DBA Color Health); PubMed 38002985 (cited by Color Diagnostics, LLC DBA Color Health); PubMed 23674365 (cited by Laboratory for Molecular Medicine, Mass General Brigham Personalized Medicine).